The following is an entry in ClinVar:

NM_016312.3(WBP11):c.700_701del (p.Met234fs)

Gene: WBP11 (WW domain binding protein 11; minus strand). Cytogenetic location: 12p12.3.
Variant type: Deletion.
Coding change: c.700_701del on transcript NM_016312.3 (MANE Select); coding-DNA positions 700 to 701, 2 bases deleted (AT; older notation c.700_701delAT).
Protein change: p.Met234fs; shifts the reading frame from methionine 234.
Molecular consequence: frameshift variant.
Genome position (GRCh38, 1-based): chr12:14,794,557-14,794,558, AT deleted on the plus strand (AT on the coding strand, the reverse complement: WBP11 is on the minus strand). VCF-style (leftmost placement, unchanged base first): chr12-14794556-CAT-C. GRCh37 (hg19) VCF-style: chr12-14947490-CAT-C.
Other names: short protein forms M234fs.
Identifiers: ClinVar variation 4076310 (VCV004076310.1).
Genomic context (GRCh38, chr12:14,794,556, plus strand): 5'-AAAATGATAGTTATAAAAGCAAAAGAACAGTCACTTCTCACCAAGTTCAGGACTATATAA[CAT>C]GTCTTCATCTCGCCTACGAGGGGGAAGATCTAGGGCAAAACCCACTTTACGGCCATACAT-3'

ClinVar aggregate classification (germline): Uncertain significance (1 of 4 stars; one submission).

Conditions:
Vertebral, cardiac, tracheoesophageal, renal, and limb defects. Also called: VCTERL SYNDROME. Identifiers: MedGen C5543189, MONDO:0030987, OMIM 619227.

Submission:

Laboratorio de Genetica e Diagnostico Molecular, Hospital Israelita Albert Einstein
Classification: Uncertain significance for Vertebral, cardiac, tracheoesophageal, renal, and limb defects. Last evaluated: 2024-06-08. Review status: criteria provided, single submitter. Criteria: ACMG Guidelines, 2015. Collection method: clinical testing. Allele origin: germline. Affected: yes.
Comment: ACMG classification criteria: PVS1 strong, PM2 supporting